The following is an entry in ClinVar:

ClinVar aggregate classification (germline): Pathogenic (1 of 4 stars; one submission).

Submission:

GeneDx
Classification: Pathogenic. Last evaluated: 2024-03-12. Review status: criteria provided, single submitter. Criteria: GeneDx Variant Classification Process June 2021. Collection method: clinical testing. Allele origin: germline. Affected: yes.
Comment: Frameshift variant predicted to result in protein truncation or nonsense mediated decay in a gene for which loss of function is a known mechanism of disease; Not observed at significant frequency in large population cohorts (gnomAD); Has not been previously published as pathogenic or benign to our knowledge

NM_177559.3(CSNK2A1):c.920_921dup (p.Asp308fs)

Gene: CSNK2A1 (casein kinase 2 alpha 1; minus strand). Cytogenetic location: 20p13.
Variant type: Microsatellite.
Coding change: c.920_921dup on transcript NM_177559.3 (MANE Select); coding-DNA positions 920 to 921, 2 bases duplicated (AT; older notation c.920_921dupAT).
Protein change: p.Asp308fs; shifts the reading frame from aspartic acid 308.
Molecular consequence: frameshift variant.
Genome position (GRCh38, 1-based): chr20:487,479-487,480, AT duplicated on the plus strand (AT on the coding strand, the reverse complement: CSNK2A1 is on the minus strand); duplicating any 2 consecutive bases within chr20:487,479-487,482 gives the same sequence; the c. name uses the placement nearest the transcript's 3' end. VCF-style (leftmost placement, unchanged base first): chr20-487478-C-CAT. GRCh37 (hg19) VCF-style: chr20-468122-C-CAT.
Other names: c.920_921dup, p.Asp308fs (NM_001362770.2, NM_001362771.2, NM_001895.4); c.512_513dup, p.Asp172fs (NM_177560.3); short protein forms D172fs, D308fs.
Identifiers: ClinVar variation 3370910 (VCV003370910.1).